The following is an entry in ClinVar:

NM_004999.4(MYO6):c.1477C>A (p.Gln493Lys)

Gene: MYO6 (myosin VI; plus strand). Cytogenetic location: 6q14.1.
Variant type: single nucleotide variant.
Coding change: c.1477C>A on transcript NM_004999.4 (MANE Select); coding-DNA position 1477, C replaced by A.
Protein change: p.Gln493Lys; replaces glutamine 493 with lysine.
Molecular consequence: missense variant. On other transcripts: non-coding transcript variant (1).
Genome position (GRCh38, 1-based): chr6:75,861,026, C>A. VCF-style: chr6-75861026-C-A. GRCh37 (hg19) VCF-style: chr6-76570743-C-A.
Other names: c.1477C>A, p.Gln493Lys (NM_001300899.2, NM_001368136.1, NM_001368137.1 and 2 more transcripts); c.1462C>A, p.Gln488Lys (NM_001368138.1); short protein forms Q488K, Q493K.
Identifiers: ClinVar variation 1065004 (VCV001065004.3), dbSNP rs759114945, ClinGen allele CA3897133.
Genomic context (GRCh38, chr6:75,861,026, plus strand): 5'-AAAATTCACTATTGCTCAGTATTGCTGTATCTATGATTATGATTATTTCATTTTTAGGAA[C>A]AAGAACTCTATCAAAAAGAAGGTTTAGGTGTTAATGAAGTGCATTATGTGGATAATCAGG-3'
Protein context (NP_004990.3, residues 483-503): FFNERILKEE[Gln493Lys]ELYQKEGLGV

ClinVar aggregate classification (germline): Uncertain significance (1 of 4 stars; one submission).

Conditions:
Hearing impairment. Also called: Impaired Hearing. Identifiers: MedGen C1384666, MONDO:0005365, HP:0000365.

Allele frequency attached by ClinVar (database versions not stated): gnomAD exomes below 0.00001; ExAC 0.00001.
gnomAD v4.1: 4 of 1,592,546 alleles (0.00025%); highest among the groups gnomAD compares: Non-Finnish European, 0.00034%; no homozygotes.

Submission:

Department of Otolaryngology – Head & Neck Surgery, Cochlear Implant Center
Classification: Uncertain significance for Hearing impairment. Last evaluated: 2021-04-12. Review status: criteria provided, single submitter. Criteria: ClinGen HL ACMG Specifications v1. Collection method: clinical testing. Allele origin: germline. Affected: yes.
Comment: PM2_Moderate, PP3_Supporting